The following is an entry in ClinVar:

NM_000059.4(BRCA2):c.*23A>C

Gene: BRCA2 (BRCA2 DNA repair associated; plus strand). Cytogenetic location: 13q13.1.
Variant type: single nucleotide variant.
Coding change: c.*23A>C on transcript NM_000059.4 (MANE Select); 23 bases downstream of the stop codon, A replaced by C.
Molecular consequence: 3 prime UTR variant.
Genome position (GRCh38, 1-based): chr13:32,398,793, A>C. VCF-style: chr13-32398793-A-C. GRCh37 (hg19) VCF-style: chr13-32972930-A-C.
Identifiers: ClinVar variation 438948 (VCV000438948.5), dbSNP rs796333934, ClinGen allele CA247509877.
Genomic context (GRCh38, chr13:32,398,793, plus strand): 5'-ATAAGCAGGACACAATTACAACTAAAAAATATATCTAAGCATTTGCAAAGGCGACAATAA[A>C]TTATTGACGCTTAACCTTTCCAGTTTATAAGACTGGAATATAATTTCAAACCACACATTA-3'

ClinVar aggregate classification (germline): Uncertain significance (1 of 4 stars; one submission).

Allele frequency attached by ClinVar (database versions not stated): gnomAD 0.00001; TOPMed 0.00001.
gnomAD v4.1: 3 of 1,611,596 alleles (0.00019%); highest among the groups gnomAD compares: Non-Finnish European, 0.00017%; no homozygotes.

Submission:

Quest Diagnostics Nichols Institute San Juan Capistrano
Classification: Uncertain significance. Last evaluated: 2022-11-04. Review status: criteria provided, single submitter. Criteria: Quest Diagnostics criteria. Collection method: clinical testing. Allele origin: unknown.
Comment: The frequency of this variant in the general population, 0.000032 (1/31406 chromosomes), is uninformative in assessment of its pathogenicity. To the best of our knowledge, the variant has not been reported in the published literature. Because it is located in a sequence resembling a polyadenylation signal, this variant may or may not affect mRNA stability and downstream processing (PMID: 29208711 (2018) and 29648582 (2018)). Based on the available information, we are unable to determine the clinical significance of this variant.

Literature cited by the submitters: PubMed 29208711; PubMed 29648582.